The following is an entry in ClinVar:

ClinVar aggregate classification (germline): Conflicting classifications of pathogenicity. Review status: criteria provided, conflicting classifications (1 of 4 stars). 5 submissions from 5 submitters: Likely pathogenic (3); Uncertain significance (2). Last evaluated 2026-08-26.

Conditions:
Inborn genetic diseases. Identifiers: MedGen C0950123, MeSH D030342.
Hypophosphatasia. Also called: Phosphoethanol-aminuria. Identifiers: Orphanet 436, MedGen C0020630, MeSH D007014, MONDO:0018570.

Submissions (5):

Myriad Genetics, Inc.
Classification: Uncertain significance for Hypophosphatasia. Last evaluated: 2026-08-26. Review status: criteria provided, single submitter. Criteria: Myriad Autosomal Dominant, Autosomal Recessive and X-Linked Classification Criteria (2023). Collection method: clinical testing. Allele origin: unknown.
Comment: NM_000478.4(ALPL):c.1183A>T(I395F) is a missense variant classified as a variant of uncertain significance in the context of hypophosphatasia. I395F has been observed in cases with relevant disease (PMID: 32694888, 39983296). Relevant functional assessments of this variant are not available in the literature. I395F has not been observed in referenced population frequency databases. In summary, there is insufficient evidence to classify NM_000478.4(ALPL):c.1183A>T(I395F) as pathogenic or benign. Please note: this variant was assessed in the context of healthy population screening.

Genomenon, Inc
Classification: Likely pathogenic for Hypophosphatasia. Last evaluated: 2025-08-29. Review status: criteria provided, single submitter. Criteria: Genomenon Sequence Variant Interpretation Standards. Collection method: curation. Allele origin: germline. Affected: yes.
Comment: ALPL p.Ile395Phe (c.1183A>T) is a missense variant that changes the amino acid at residue 395 from Isoleucine to Phenylalanine. This variant has been observed in a proband affected with hypophosphatasia (PMID:32694888). The variant was found to segregate with disease in at least one affected family (PMID:32694888). It is absent or not present at a significant frequency in gnomAD. In silico models agree that this variant is possibly or probably damaging. In conclusion, we classify ALPL p.Ile395Phe (c.1183A>T) as a likely pathogenic variant.

JKU Lab, Dept of Paediatrics, Johannes Kepler University
Classification: Likely pathogenic for Hypophosphatasia. Last evaluated: 2025-08-28. Review status: criteria provided, single submitter. Criteria: ACMG Guidelines, 2015. Collection method: curation, in vitro. Allele origin: germline, not applicable. Affected: yes. Functional consequence: decreased enzyme activity.
Comment: This missense variant is not present in GnomAD 4.1 and affects a highly conserved amino acid in the crown domain. The variant is predicted to affect protein function (REVEL score: 0.945). Splice-prediction algorithms predict no effect on splicing. In vitro functional studies showed reduced ALP activity, with a dominant negative effect. This variant has been reported in the literature in individuals affected with ALPL-related conditions (PMID:36361766;PMID:32973344). The results of the functional testing and the applied ACMG criteria can be viewed at an online resource

Labcorp Genetics (formerly Invitae), Labcorp
Classification: Likely pathogenic. Last evaluated: 2024-11-13. Review status: criteria provided, single submitter. Criteria: Invitae Variant Classification Sherloc (09022015). Collection method: clinical testing. Allele origin: germline.
Comment: This sequence change replaces isoleucine, which is neutral and non-polar, with phenylalanine, which is neutral and non-polar, at codon 395 of the ALPL protein (p.Ile395Phe). This variant is not present in population databases (gnomAD no frequency). This variant has not been reported in the literature in individuals affected with ALPL-related conditions. ClinVar contains an entry for this variant (Variation ID: 521120). Invitae Evidence Modeling of protein sequence and biophysical properties (such as structural, functional, and spatial information, amino acid conservation, physicochemical variation, residue mobility, and thermodynamic stability) indicates that this missense variant is expected to disrupt ALPL protein function with a positive predictive value of 95%. This variant disrupts the p.Ile395 amino acid residue in ALPL. Other variant(s) that disrupt this residue have been determined to be pathogenic (PMID: 21713987, 31641588). This suggests that this residue is clinically significant, and that variants that disrupt this residue are likely to be disease-causing. In summary, the currently available evidence indicates that the variant is pathogenic, but additional data are needed to prove that conclusively. Therefore, this variant has been classified as Likely Pathogenic.

Ambry Genetics
Classification: Uncertain significance for Inborn genetic diseases. Last evaluated: 2016-05-17. Review status: criteria provided, single submitter. Criteria: Ambry exome assertion method (8-5-2015). Collection method: clinical testing. Allele origin: germline. Affected: yes. Observed: 1 variant allele.

Literature cited by the submitters: PubMed 32694888 (cited by Myriad Genetics, Inc. and Genomenon, Inc); PubMed 39983296 (cited by Myriad Genetics, Inc.); PubMed 36361766 (cited by JKU Lab, Dept of Paediatrics, Johannes Kepler University); PubMed 32973344 (cited by JKU Lab, Dept of Paediatrics, Johannes Kepler University); PubMed 21713987 (cited by Labcorp Genetics (formerly Invitae), Labcorp); PubMed 31641588 (cited by Labcorp Genetics (formerly Invitae), Labcorp).

NM_000478.6(ALPL):c.1183A>T (p.Ile395Phe)

Gene: ALPL (alkaline phosphatase, biomineralization associated; plus strand). Cytogenetic location: 1p36.12.
Variant type: single nucleotide variant.
Coding change: c.1183A>T on transcript NM_000478.6 (MANE Select); coding-DNA position 1183, A replaced by T.
Protein change: p.Ile395Phe; replaces isoleucine 395 with phenylalanine.
Molecular consequence: missense variant.
Genome position (GRCh38, 1-based): chr1:21,575,918, A>T. VCF-style: chr1-21575918-A-T. GRCh37 (hg19) VCF-style: chr1-21902411-A-T.
Other names: c.1018A>T, p.Ile340Phe (NM_001127501.4); c.952A>T, p.Ile318Phe (NM_001177520.3); c.1183A>T, p.Ile395Phe (NM_001369803.2, NM_001369804.2, NM_001369805.2); short protein forms I395F, I318F, I340F.
Identifiers: ClinVar variation 521120 (VCV000521120.10), dbSNP rs772682471, ClinGen allele CA338881527.